The following is an entry in ClinVar:

NM_001009923.2:c.375A>G

Gene: TMEM230 (transmembrane protein 230; minus strand).
Variant type: single nucleotide variant.
Other names: p.Ile125Met.
Identifiers: ClinVar variation 4684408 (VCV004684408.1).

ClinVar aggregate classification (germline): Likely benign (1 of 4 stars; one submission).

Submission:

Mayo Clinic Laboratories, Mayo Clinic
Classification: Likely benign. Last evaluated: 2025-09-15. Review status: criteria provided, single submitter. Criteria: ACMG Guidelines, 2015. Collection method: clinical testing. Allele origin: germline. Observed: 2 variant alleles.
Comment: BS2, BP4

Literature cited by the submitters: PubMed 31323517; PubMed 34426522.